The following is an entry in ClinVar:

NM_000540.3(RYR1):c.10901C>T (p.Ala3634Val)

Gene: RYR1 (ryanodine receptor 1; plus strand). Cytogenetic location: 19q13.2.
Variant type: single nucleotide variant.
Coding change: c.10901C>T on transcript NM_000540.3 (MANE Select); coding-DNA position 10901, C replaced by T.
Protein change: p.Ala3634Val; replaces alanine 3634 with valine.
Molecular consequence: missense variant.
Genome position (GRCh38, 1-based): chr19:38,528,382, C>T. VCF-style: chr19-38528382-C-T. GRCh37 (hg19) VCF-style: chr19-39019022-C-T.
Other names: c.10886C>T, p.Ala3629Val (NM_001042723.2); short protein forms A3629V, A3634V.
Identifiers: ClinVar variation 2200949 (VCV002200949.4), dbSNP rs2514494746, ClinGen allele CA405649559.

ClinVar aggregate classification (germline): Uncertain significance (1 of 4 stars; one submission).

Conditions:
RYR1-related disorder. Also called: RYR1-related condition; RYR1-related disorders. Identifiers: MedGen CN239331.

Allele frequency attached by ClinVar (database versions not stated): gnomAD exomes below 0.00001.
gnomAD v4.1: 1 of 1,614,174 alleles (0.000062%); highest among the groups gnomAD compares: Non-Finnish European, 0.000085%; no homozygotes.

Submission:

Labcorp Genetics (formerly Invitae), Labcorp
Classification: Uncertain significance for RYR1-related disorder. Last evaluated: 2022-09-27. Review status: criteria provided, single submitter. Criteria: Invitae Variant Classification Sherloc (09022015). Collection method: clinical testing. Allele origin: germline.
Comment: This sequence change replaces alanine, which is neutral and non-polar, with valine, which is neutral and non-polar, at codon 3634 of the RYR1 protein (p.Ala3634Val). This variant has not been reported in the literature in individuals affected with RYR1-related conditions. In summary, the available evidence is currently insufficient to determine the role of this variant in disease. Therefore, it has been classified as a Variant of Uncertain Significance. Advanced modeling of protein sequence and biophysical properties (such as structural, functional, and spatial information, amino acid conservation, physicochemical variation, residue mobility, and thermodynamic stability) performed at Invitae indicates that this missense variant is expected to disrupt RYR1 protein function. This variant is not present in population databases (gnomAD no frequency).